The following is an entry in ClinVar:

ClinVar aggregate classification (germline): Uncertain significance (1 of 4 stars; one submission).

gnomAD v4.1: 5 of 1,419,774 alleles (0.00035%); highest among the groups gnomAD compares: Admixed American, 0.0025%; no homozygotes.

Submission:

Labcorp Genetics (formerly Invitae), Labcorp
Classification: Uncertain significance. Last evaluated: 2025-03-16. Review status: criteria provided, single submitter. Criteria: Invitae Variant Classification Sherloc (09022015). Collection method: clinical testing. Allele origin: germline.
Comment: This sequence change replaces leucine, which is neutral and non-polar, with phenylalanine, which is neutral and non-polar, at codon 19 of the CDH2 protein (p.Leu19Phe). This variant is not present in population databases (gnomAD no frequency). This variant has not been reported in the literature in individuals affected with CDH2-related conditions. An algorithm developed to predict the effect of missense changes on protein structure and function (PolyPhen-2) suggests that this variant is likely to be tolerated. In summary, the available evidence is currently insufficient to determine the role of this variant in disease. Therefore, it has been classified as a Variant of Uncertain Significance.

NM_001792.5(CDH2):c.55C>T (p.Leu19Phe)

Gene: CDH2 (cadherin 2; minus strand). Cytogenetic location: 18q12.1.
Variant type: single nucleotide variant.
Coding change: c.55C>T on transcript NM_001792.5 (MANE Select); coding-DNA position 55, C replaced by T.
Protein change: p.Leu19Phe; replaces leucine 19 with phenylalanine.
Molecular consequence: missense variant.
Genome position (GRCh38, 1-based): chr18:28,176,968, G>A on the plus strand (C>T on the coding strand, the complement: CDH2 is on the minus strand). VCF-style: chr18-28176968-G-A. GRCh37 (hg19) VCF-style: chr18-25756932-G-A.
Other names: short protein forms L19F.
Identifiers: ClinVar variation 4695642 (VCV004695642.1).